The following is an entry in ClinVar:

ClinVar aggregate classification (germline): Conflicting classifications of pathogenicity. Review status: criteria provided, conflicting classifications (1 of 4 stars). 3 submissions from 3 submitters: Uncertain significance (2); Likely benign (1). Last evaluated 2024-03-25.

Allele frequency attached by ClinVar (database versions not stated): gnomAD exomes below 0.00001; ExAC 0.00001; gnomAD 0.00001; TOPMed 0.00001.
gnomAD v4.1: 8 of 1,614,074 alleles (0.0005%); highest among the groups gnomAD compares: Non-Finnish European, 0.00068%; no homozygotes.

Submissions (3):

Ambry Genetics
Classification: Likely benign. Last evaluated: 2024-03-25. Review status: criteria provided, single submitter. Criteria: Ambry Variant Classification Scheme 2023. Collection method: clinical testing. Allele origin: germline.

Labcorp Genetics (formerly Invitae), Labcorp
Classification: Uncertain significance. Last evaluated: 2022-11-10. Review status: criteria provided, single submitter. Criteria: Invitae Variant Classification Sherloc (09022015). Collection method: clinical testing. Allele origin: germline.
Comment: This sequence change replaces lysine, which is basic and polar, with asparagine, which is neutral and polar, at codon 384 of the ABRAXAS1 protein (p.Lys384Asn). This variant is present in population databases (rs763567031, gnomAD 0.002%). This variant has not been reported in the literature in individuals affected with ABRAXAS1-related conditions. ClinVar contains an entry for this variant (Variation ID: 928538). Algorithms developed to predict the effect of missense changes on protein structure and function (SIFT, PolyPhen-2, Align-GVGD) all suggest that this variant is likely to be tolerated. In summary, the available evidence is currently insufficient to determine the role of this variant in disease. Therefore, it has been classified as a Variant of Uncertain Significance.

Women's Health and Genetics/Laboratory Corporation of America, LabCorp
Classification: Uncertain significance. Last evaluated: 2019-09-13. Review status: criteria provided, single submitter. Criteria: LabCorp Variant Classification Summary - May 2015. Collection method: clinical testing. Allele origin: germline.
Comment: Variant summary: FAM175A c.1152A>C (p.Lys384Asn) results in a non-conservative amino acid change in the encoded protein sequence. Four of five in-silico tools predict a benign effect of the variant on protein function. The variant allele was found at a frequency of 4e-06 in 251360 control chromosomes. The available data on variant occurrences in the general population are insufficient to allow any conclusion about variant significance. To our knowledge, no occurrence of c.1152A>C in individuals affected with Hereditary Breast and Ovarian Cancer and no experimental evidence demonstrating its impact on protein function have been reported. No clinical diagnostic laboratories have submitted clinical-significance assessments for this variant to ClinVar after 2014. Based on the evidence outlined above, the variant was classified as uncertain significance.

NM_139076.3(ABRAXAS1):c.1152A>C (p.Lys384Asn)

Gene: ABRAXAS1 (abraxas 1, BRCA1 A complex subunit; minus strand). Cytogenetic location: 4q21.23.
Variant type: single nucleotide variant.
Coding change: c.1152A>C on transcript NM_139076.3 (MANE Select); coding-DNA position 1152, A replaced by C.
Protein change: p.Lys384Asn; replaces lysine 384 with asparagine.
Molecular consequence: missense variant.
Genome position (GRCh38, 1-based): chr4:83,462,547, T>G on the plus strand (A>C on the coding strand, the complement: ABRAXAS1 is on the minus strand). VCF-style: chr4-83462547-T-G. GRCh37 (hg19) VCF-style: chr4-84383700-T-G.
Other names: c.825A>C, p.Lys275Asn (NM_001345962.2); short protein forms K275N, K384N.
Identifiers: ClinVar variation 928538 (VCV000928538.6), dbSNP rs763567031, ClinGen allele CA2990366.